The following is an entry in ClinVar:

NM_001042492.3(NF1):c.647T>C (p.Leu216Pro)

Gene: NF1 (neurofibromin 1; plus strand). Cytogenetic location: 17q11.2.
Variant type: single nucleotide variant.
Coding change: c.647T>C on transcript NM_001042492.3 (MANE Select); coding-DNA position 647, T replaced by C.
Protein change: p.Leu216Pro; replaces leucine 216 with proline.
Molecular consequence: missense variant.
Genome position (GRCh38, 1-based): chr17:31,181,482, T>C. VCF-style: chr17-31181482-T-C. GRCh37 (hg19) VCF-style: chr17-29508500-T-C.
Other names: c.647T>C, p.Leu216Pro (NM_000267.4, NM_001128147.3); short protein forms L216P.
Identifiers: ClinVar variation 68360 (VCV000068360.42), dbSNP rs199474756, ClinGen allele CA219627.
Genomic context (GRCh38, chr17:31,181,482, plus strand): 5'-AAACAGCATTTAAATTTAAAGCCCTAAAGAAGGTTGCGCAGTTAGCAGTTATAAATAGCC[T>C]GGAAAAGGTAAGTTACAACCTCTCTGGTATTAAAATTTTGTTTTTGATGTAAAATTTGCT-3'
Protein context (NP_001035957.1, residues 206-226): KVAQLAVINS[Leu216Pro]EKAFWNWVEN

ClinVar aggregate classification (germline): Conflicting classifications of pathogenicity. Review status: criteria provided, conflicting classifications (1 of 4 stars). 8 submissions from 8 submitters: Pathogenic (3); Likely pathogenic (3); Uncertain significance (1). 1 of the submissions does not count toward it. Last evaluated 2026-06-04.

Conditions:
Hereditary cancer-predisposing syndrome. Also called: Neoplastic Syndromes, Hereditary; Hereditary neoplastic syndrome; Hereditary Cancer Syndrome; Tumor predisposition. Identifiers: Orphanet 140162, MedGen C0027672, MeSH D009386, MONDO:0015356.
Cardiovascular phenotype. Identifiers: MedGen CN230736.
Abnormality of the skin. Identifiers: MedGen C5848159, HP:0000951.
Neurofibromatosis, type 1 (NF1). Also called: NEUROFIBROMATOSIS, TYPE I, SOMATIC; VON RECKLINGHAUSEN DISEASE; Peripheral type neurofibromatosis; Neurofibromatosis, type I. Identifiers: Orphanet 636, MedGen C0027831, MONDO:0018975, OMIM 162200. Disease mechanism: loss of function.

Submissions (8):

GeneDx
Classification: Pathogenic. Last evaluated: 2026-06-04. Review status: criteria provided, single submitter. Criteria: GeneDx Variant Classification Process June 2021. Collection method: clinical testing. Allele origin: germline.
Comment: Not observed at significant frequency in large population cohorts (gnomAD); In silico analysis supports that this missense variant has a deleterious effect on protein structure/function; This variant is associated with the following publications: (PMID: 40169570, 25525159, 24803665, 27617404, 17726231, 30968598, 10712197, 35982160, 30014477, 38374194, 39411402, 38194681)

Labcorp Genetics (formerly Invitae), Labcorp
Classification: Pathogenic for Neurofibromatosis, type 1. Last evaluated: 2025-07-29. Review status: criteria provided, single submitter. Criteria: Invitae Variant Classification Sherloc (09022015). Collection method: clinical testing. Allele origin: germline.
Comment: This sequence change replaces leucine, which is neutral and non-polar, with proline, which is neutral and non-polar, at codon 216 of the NF1 protein (p.Leu216Pro). This variant is not present in population databases (gnomAD no frequency). This missense change has been observed in individual(s) with neurofibromatosis type 1 (PMID: 10712197, 17726231, 27617404; internal data). In at least one individual the variant was observed to be de novo. Invitae Evidence Modeling of clinical and family history, age, sex, and reported ancestry of multiple individuals with this NF1 variant has been performed. This variant is expected to be pathogenic with a positive predictive value of at least 99%. This is a validated machine learning model that incorporates the clinical features of 1,785,918 individuals referred to our laboratory for NF1 testing. ClinVar contains an entry for this variant (Variation ID: 68360). Invitae Evidence Modeling of protein sequence and biophysical properties (such as structural, functional, and spatial information, amino acid conservation, physicochemical variation, residue mobility, and thermodynamic stability) indicates that this missense variant is expected to disrupt NF1 protein function with a positive predictive value of 95%. For these reasons, this variant has been classified as Pathogenic.

Athena Diagnostics
Classification: Likely pathogenic. Last evaluated: 2025-07-23. Review status: criteria provided, single submitter. Criteria: Athena Diagnostics Criteria. Collection method: clinical testing. Allele origin: unknown.
Comment: This variant has not been reported in large, multi-ethnic general populations. This variant has been identified in multiple unrelated individuals with clinical features associated with autosomal dominant neurofibromatosis type 1 (NF1). Polyphen and MutationTaster predict this amino acid change may be damaging to the protein.

Dasa
Classification: Pathogenic. Last evaluated: 2025-07-14. Review status: criteria provided, single submitter. Criteria: DASA Assertion Criteria. Collection method: clinical testing. Allele origin: germline.
Comment: NM_001042492.3(NF1):c.647T>C (p.Leu216Pro) is a missense variant that results in the substitution of leucine with proline. The affected residue or protein region has prior evidence supporting clinical relevance. De novo occurrence has been reported in an individual with related phenotype. This variant has been recurrently observed in individuals with related phenotype (PMID: 30968598; PMID: 10712197; PMID: 17726231; PMID: 30014477). Multiple computational predictions support a deleterious effect on the gene or gene product. The variant is present at low frequency in population datasets. Based on the available data, this variant is classified as pathogenic.

Ambry Genetics
Classification: Likely pathogenic for Cardiovascular phenotype; Hereditary cancer-predisposing syndrome. Last evaluated: 2024-10-03. Review status: criteria provided, single submitter. Criteria: Ambry Variant Classification Scheme 2023. Collection method: clinical testing. Allele origin: germline.
Comment: The p.L216P variant (also known as c.647T>C), located in coding exon 6 of the NF1 gene, results from a T to C substitution at nucleotide position 647. The leucine at codon 216 is replaced by proline, an amino acid with similar properties. This variant was reported in multiple individuals with features consistent with neurofibromatosis type 1 (NF1) (Fahsold R et al. Am J Hum Genet, 2000 Mar;66:790-818; Bendova S et al. J Mol Neurosci, 2007;31:273-9; Palma Milla C et al. Ann Hum Genet, 2018 Nov;82:425-436; Ambry internal data). This amino acid position is highly conserved in available vertebrate species. In addition, this alteration is predicted to be deleterious by in silico analysis. This variant is considered to be rare based on population cohorts in the Genome Aggregation Database (gnomAD). Based on the majority of available evidence to date, this variant is likely to be pathogenic.

Kariminejad - Najmabadi Pathology & Genetics Center
Classification: Likely pathogenic for Abnormality of the skin. Last evaluated: 2021-07-10. Review status: criteria provided, single submitter. Criteria: ACMG Guidelines, 2015. Collection method: clinical testing. Allele origin: germline. Affected: yes.

ARUP Laboratories, Molecular Genetics and Genomics, ARUP Laboratories
Classification: Uncertain significance. Last evaluated: 2020-07-28. Review status: criteria provided, single submitter. Criteria: ARUP Molecular Germline Variant Investigation Process. Collection method: clinical testing. Allele origin: germline.
Comment: The NF1 c.647T>C; p.Leu216Pro variant (rs199474756) is reported in the literature in several individuals with neurofibromatosis type 1 (NF1) who met clinical criteria (Bendova 2007, Fahsold 2000, Li 2016, Palma Milla 2018). Additionally, another variant in the same codon, c.647T>G; p.Leu216Arg, has also been reported in an individual with NF1 (Palma Milla 2018). The p.Leu216Pro variant is reported in the ClinVar database (Variation ID: 68360) but is absent from general population databases (Exome Variant Server, Genome Aggregation Database), indicating it is not a common polymorphism. The leucine at codon 216 is highly conserved, but computational analyses (SIFT: Damaging, PolyPhen-2: Benign) predict conflicting effects of this variant on protein structure/function. Due to limited information, the clinical significance of the p.Leu216Pro variant is uncertain at this time. References: Bendova S et al. Novel mutations in the NF1 gene in Czech patients with neurofibromatosis type 1. J Mol Neurosci. 2007;31(3):273-279. Fahsold R et al. Minor lesion mutational spectrum of the entire NF1 gene does not explain its high mutability but points to a functional domain upstream of the GAP-related domain. Am J Hum Genet. 2000;66(3):790-818. Li H et al. Immortalization of human normal and NF1 neurofibroma Schwann cells. Lab Invest. 2016;96(10):1105-1115. Palma Milla C et al. Neurofibromatosis type I: mutation spectrum of NF1 in spanish patients. Ann Hum Genet. 2018;82(6):425-436.

UniProtKB/Swiss-Prot
No classification provided. Review status: no classification provided. Collection method: not provided. Allele origin: not provided. Not counted in ClinVar's aggregate classification.

Literature cited by the submitters: PubMed 10712197 (cited by 4 submitters); PubMed 17726231 (cited by 4 submitters); PubMed 27617404 (cited by Labcorp Genetics (formerly Invitae), Labcorp); PubMed 39411402 (cited by Athena Diagnostics); PubMed 30014477 (cited by 3 submitters); PubMed 30968598 (cited by 3 submitters); PubMed 38374194 (cited by Athena Diagnostics).